The following is an entry in ClinVar:

NM_001267550.2(TTN):c.101580A>G (p.Val33860=)

Genes: TTN (titin; minus strand), TTN-AS1 (TTN antisense RNA 1; plus strand). Cytogenetic location: 2q31.2.
Variant type: single nucleotide variant.
Coding change: c.101580A>G on transcript NM_001267550.2 (MANE Select); coding-DNA position 101580, A replaced by G.
Protein change: p.Val33860=; no amino-acid change (valine 33860 retained).
Molecular consequence: synonymous variant.
Genome position (GRCh38, 1-based): chr2:178,535,035, T>C on the plus strand (A>G on the coding strand, the complement: TTN is on the minus strand). VCF-style: chr2-178535035-T-C. GRCh37 (hg19) VCF-style: chr2-179399762-T-C.
Other names: c.96657A>G, p.Val32219= (NM_001256850.1); c.74385A>G, p.Val24795= (NM_003319.4); c.93876A>G, p.Val31292= (NM_133378.4); c.74760A>G, p.Val24920= (NM_133432.3); c.74961A>G, p.Val24987= (NM_133437.4).
Identifiers: ClinVar variation 413052 (VCV000413052.12), dbSNP rs1060503929, ClinGen allele CA16610213.
Genomic context (GRCh38, chr2:178,535,035, plus strand): 5'-TTCATGGAGGTGTAAGATGTTTCTATGCCTAGCAATATTCAGAATGGAAATTTCCTTCTT[T>C]ACCAAAACCTGATCAGTCCCTTTGACTTTAACAAATTTGGCCATGTATGTCTTCTTTGAG-3'
Protein context (NP_001254479.2, residues 33850-33870): VKVKGTDQVL[Val33860=]KKEISILNIA

ClinVar aggregate classification (germline): Likely benign. Review status: criteria provided, multiple submitters, no conflicts (2 of 4 stars). 2 submissions from 2 submitters: Likely benign (2). Last evaluated 2026-06-04.

Conditions:
TTN-related disorder. Also called: TTN-related disorders; TTN-related condition; TTN-related disease.
Autosomal recessive limb-girdle muscular dystrophy type 2J (LGMDR10). Also called: Limb-girdle muscular dystrophy, type 2J; MUSCULAR DYSTROPHY, LIMB-GIRDLE, AUTOSOMAL RECESSIVE 10. Identifiers: Orphanet 140922, MedGen C1837342, MONDO:0012127, OMIM 608807.
Dilated cardiomyopathy 1G (CMD1G). Identifiers: Orphanet 154, MedGen C1858763, MONDO:0011400, OMIM 604145.

Allele frequency attached by ClinVar (database versions not stated): TOPMed 0.00001.

Submissions (2):

PreventionGenetics, part of Exact Sciences
Classification: Likely benign for TTN-related condition. Last evaluated: 2026-06-04. Review status: criteria provided, single submitter. Criteria: ACMG Guidelines, 2015. Collection method: clinical testing. Allele origin: germline.
Comment: This variant is classified as likely benign based on ACMG/AMP sequence variant interpretation guidelines (Richards et al. 2015 PMID: 25741868, with internal and published modifications).

Labcorp Genetics (formerly Invitae), Labcorp
Classification: Likely benign for Dilated cardiomyopathy 1G; Autosomal recessive limb-girdle muscular dystrophy type 2J. Last evaluated: 2025-12-21. Review status: criteria provided, single submitter. Criteria: Invitae Variant Classification Sherloc (09022015). Collection method: clinical testing. Allele origin: germline.